The following is an entry in ClinVar:

NM_001148.6(ANK2):c.3963T>C (p.Ile1321=)

Gene: ANK2 (ankyrin 2; plus strand). Cytogenetic location: 4q26.
Variant type: single nucleotide variant.
Coding change: c.3963T>C on transcript NM_001148.6 (MANE Select); coding-DNA position 3963, T replaced by C.
Protein change: p.Ile1321=; no amino-acid change (isoleucine 1321 retained).
Molecular consequence: synonymous variant.
Genome position (GRCh38, 1-based): chr4:113,341,757, T>C. VCF-style: chr4-113341757-T-C. GRCh37 (hg19) VCF-style: chr4-114262913-T-C.
Other names: p.I1321I:ATT>ATC; p.Ile1321=; c.3963T>C (NM_020977.4); c.3936T>C, p.Ile1312= (NM_001127493.3); c.3975T>C, p.Ile1325= (NM_001354225.2); c.3864T>C, p.Ile1288= (NM_001354228.2, NM_001354258.2); c.3942T>C, p.Ile1314= (NM_001354230.2); c.4005T>C, p.Ile1335= (NM_001354231.2, NM_001354242.2); and 34 more.
Identifiers: ClinVar variation 136392 (VCV000136392.41), dbSNP rs72901936, ClinGen allele CA289456.

ClinVar aggregate classification (germline): Benign/Likely benign. Review status: criteria provided, multiple submitters, no conflicts (2 of 4 stars). 7 submissions from 7 submitters: Benign (3); Likely benign (4). Last evaluated 2026-01-12.

Conditions:
Cardiovascular phenotype. Identifiers: MedGen CN230736.
Long QT syndrome (LQTS). Identifiers: MedGen C0023976, MeSH D008133, MONDO:0002442. Disease mechanism: loss of function. Inheritance: Various modes of inheritance.
Cardiac arrhythmia, ankyrin-B-related. Also called: ANKYRIN-B SYNDROME. Identifiers: Orphanet 101016, Orphanet 768, MedGen C1970119, MONDO:0010958, OMIM 600919.

Allele frequency attached by ClinVar (database versions not stated): gnomAD exomes 0.00003 and 0.00007; ESP Exome Variant Server 0.00008; ExAC 0.00009; gnomAD 0.00018 and 0.00020; TOPMed 0.00018; 1000 Genomes Project 0.00020; 1000 Genomes Project 30x 0.00031.
gnomAD v4.1: 81 of 1,614,120 alleles (0.005%); highest among the groups gnomAD compares: African/African-American, 0.089%; 1 homozygote.

Submissions (7):

Labcorp Genetics (formerly Invitae), Labcorp
Classification: Benign for Long QT syndrome. Last evaluated: 2026-01-12. Review status: criteria provided, single submitter. Criteria: Invitae Variant Classification Sherloc (09022015). Collection method: clinical testing. Allele origin: germline.

Mayo Clinic Laboratories, Mayo Clinic
Classification: Likely benign. Last evaluated: 2025-10-15. Review status: criteria provided, single submitter. Criteria: ACMG Guidelines, 2015. Collection method: clinical testing. Allele origin: germline. Observed: 1 variant allele.
Comment: BS1, BP4, BP7

CeGaT Center for Human Genetics Tuebingen
Classification: Likely benign. Last evaluated: 2024-01-01. Review status: criteria provided, single submitter. Criteria: CeGaT Center For Human Genetics Tuebingen Variant Classification Criteria Version 2. Collection method: clinical testing. Allele origin: germline. Affected: yes. Observed: 1 variant allele.
Comment: ANK2: BP4, BP7

Genome-Nilou Lab
Classification: Benign for Cardiac arrhythmia, ankyrin-B-related. Last evaluated: 2021-12-05. Review status: criteria provided, single submitter. Criteria: ACMG Guidelines, 2015. Collection method: clinical testing. Allele origin: germline. Affected: no.

ARUP Laboratories, Molecular Genetics and Genomics, ARUP Laboratories
Classification: Likely benign. Last evaluated: 2021-11-09. Review status: criteria provided, single submitter. Criteria: ARUP Molecular Germline Variant Investigation Process 2021. Collection method: clinical testing. Allele origin: germline.

Ambry Genetics
Classification: Likely benign for Cardiovascular phenotype. Last evaluated: 2018-12-05. Review status: criteria provided, single submitter. Criteria: Ambry Variant Classification Scheme 2023. Collection method: clinical testing. Allele origin: germline.

GeneDx
Classification: Benign. Last evaluated: 2013-01-26. Review status: criteria provided, single submitter. Criteria: GeneDx Variant Classification (06012015). Collection method: clinical testing. Allele origin: germline. Affected: yes.
Comment: This variant is considered likely benign or benign based on one or more of the following criteria: it is a conservative change, it occurs at a poorly conserved position in the protein, it is predicted to be benign by multiple in silico algorithms, and/or has population frequency not consistent with disease.